The following is an entry in ClinVar:

ClinVar aggregate classification (germline): not provided (0 of 4 stars; one submission).

Submission:

ITMI
No classification provided. Condition: AllHighlyPenetrant. Last evaluated: 2013-09-19. Review status: no classification provided. Collection method: reference population. Allele origin: germline.
Comment: Please see associated publication for description of ethnicities

Literature cited by the submitters: PubMed 24728327.

NM_000043.6(FAS):c.756T>G (p.Asn252Lys)

Gene: FAS (Fas cell surface death receptor; plus strand). Cytogenetic location: 10q23.31.
Variant type: single nucleotide variant.
Coding change: c.756T>G on transcript NM_000043.6 (MANE Select); coding-DNA position 756, T replaced by G.
Protein change: p.Asn252Lys; replaces asparagine 252 with lysine.
Molecular consequence: missense variant. On other transcripts: 3 prime UTR variant (2), non-coding transcript variant (7).
Genome position (GRCh38, 1-based): chr10:89,014,198, T>G. VCF-style: chr10-89014198-T-G. GRCh37 (hg19) VCF-style: chr10-90773955-T-G.
Other names: c.*79T>G (NM_001320619.2); c.693T>G, p.Asn231Lys (NM_152871.4); c.*68T>G (NM_152872.4); short protein forms N252K, N231K.
Identifiers: ClinVar variation 134375 (VCV000134375.1), dbSNP rs587778348, ClinGen allele CA159640.